The following is an entry in ClinVar:

NM_020822.3(KCNT1):c.1510+96A>G

Gene: KCNT1 (potassium sodium-activated channel subfamily T member 1; plus strand). Cytogenetic location: 9q34.3.
Variant type: single nucleotide variant.
Coding change: c.1510+96A>G on transcript NM_020822.3 (MANE Select); 96 bases into the intron after coding-DNA position 1510, A replaced by G.
Molecular consequence: intron variant.
Genome position (GRCh38, 1-based): chr9:135,769,033, A>G. VCF-style: chr9-135769033-A-G. GRCh37 (hg19) VCF-style: chr9-138660879-A-G.
Other names: NC_000009.11:g.138660879A>G; c.1375+96A>G (NM_001272003.2).
Identifiers: ClinVar variation 682130 (VCV000682130.5), dbSNP rs11103179, ClinGen allele CA13003890.
Genomic context (GRCh38, chr9:135,769,033, plus strand): 5'-GGGGCAGGGCACGTGTGCACACGTGGGTGATGGTGCATCTGGGGCAGGGCGCATGTGCAC[A>G]TGTGTGACGGTGCGTCTGGGGCAGGACGCGTGTGCACACGTGGGTGACGGTGCGTCTGGG-3'

ClinVar aggregate classification (germline): Benign. Review status: criteria provided, multiple submitters, no conflicts (2 of 4 stars). 3 submissions from 3 submitters: Benign (3). Last evaluated 2024-07-15.

Allele frequency attached by ClinVar (database versions not stated): gnomAD exomes 0.20149; gnomAD 0.20669 and 0.20675; 1000 Genomes Project 0.18431; TOPMed 0.20980.
gnomAD v4.1: 171,706 of 848,152 alleles (20%); highest among the groups gnomAD compares: Middle Eastern, 26%; 17,885 homozygotes.

Submissions (4):

Unidad de Genómica Garrahan, Hospital de Pediatría Garrahan
Classification: Benign. Last evaluated: 2024-07-15. Review status: criteria provided, single submitter. Criteria: ACMG Guidelines, 2015. Collection method: clinical testing. Allele origin: germline. Affected: no. Observed: 43 variant alleles.
Comment: This variant is classified as Benign based on local population frequency. This variant was detected in 46% of patients studied in a panel designed for Epileptic and Developmental Encephalopathy and Progressive Myoclonus Epilepsy. Number of patients: 43. Only high quality variants are reported.

GeneDx
Classification: Benign. Last evaluated: 2018-06-14. Review status: criteria provided, single submitter. Criteria: GeneDx Variant Classification (06012015). Collection method: clinical testing. Allele origin: germline. Affected: yes.
Comment: This variant is considered likely benign or benign based on one or more of the following criteria: it is a conservative change, it occurs at a poorly conserved position in the protein, it is predicted to be benign by multiple in silico algorithms, and/or has population frequency not consistent with disease.

Breakthrough Genomics
Classification: Benign. Review status: criteria provided, single submitter. Criteria: ACMG Guidelines, 2015. Collection method: not provided. Allele origin: germline. Inheritance: Autosomal dominant inheritance. Affected: yes.

Dr. Peter K. Rogan Lab, Western University
No classification provided (evidence only). Condition: Uterine carcinosarcoma. Review status: no classification provided. Collection method: in vitro. Allele origin: not applicable. Functional consequence: retained intron. Not counted in ClinVar's aggregate classification.